The following is an entry in ClinVar:

NM_181882.3(PRX):c.1624C>T (p.Arg542Trp)

Gene: PRX (periaxin; minus strand). Cytogenetic location: 19q13.2.
Variant type: single nucleotide variant.
Coding change: c.1624C>T on transcript NM_181882.3 (MANE Select); coding-DNA position 1624, C replaced by T.
Protein change: p.Arg542Trp; replaces arginine 542 with tryptophan.
Molecular consequence: missense variant. On other transcripts: 3 prime UTR variant (1).
Genome position (GRCh38, 1-based): chr19:40,396,728, G>A on the plus strand (C>T on the coding strand, the complement: PRX is on the minus strand). VCF-style: chr19-40396728-G-A. GRCh37 (hg19) VCF-style: chr19-40902635-G-A.
Other names: c.*1829C>T (NM_020956.2); short protein forms R542W.
Identifiers: ClinVar variation 416226 (VCV000416226.19), dbSNP rs201337455, ClinGen allele CA9444228.

ClinVar aggregate classification (germline): Likely benign. Review status: criteria provided, multiple submitters, no conflicts (2 of 4 stars). 4 submissions from 4 submitters: Likely benign (4). Last evaluated 2025-04-07.

Conditions:
Charcot-Marie-Tooth disease type 4. Also called: Charcot-Marie-Tooth disease, type IV; Charcot-Marie-Tooth, Type 4. Identifiers: Orphanet 64749, MedGen C4082197, MONDO:0018995.
Charcot-Marie-Tooth disease type 4F. Also called: Charcot-Marie-Tooth disease, demyelinating, type 4F. Identifiers: Orphanet 99952, MedGen C3540453, MONDO:0013959, OMIM 614895.
Inborn genetic diseases. Identifiers: MedGen C0950123, MeSH D030342.

Allele frequency attached by ClinVar (database versions not stated): TOPMed 0.00006; ESP Exome Variant Server 0.00008; gnomAD 0.00018 and 0.00037; gnomAD exomes 0.00036; ExAC 0.00111; 1000 Genomes Project 30x 0.00141; 1000 Genomes Project 0.00160.
gnomAD v4.1: 577 of 1,612,864 alleles (0.036%); highest among the groups gnomAD compares: South Asian, 0.43%; 9 homozygotes.

Submissions (4):

Labcorp Genetics (formerly Invitae), Labcorp
Classification: Likely benign for Charcot-Marie-Tooth disease type 4. Last evaluated: 2025-04-07. Review status: criteria provided, single submitter. Criteria: Invitae Variant Classification Sherloc (09022015). Collection method: clinical testing. Allele origin: germline.

Ambry Genetics
Classification: Likely benign for Inborn genetic diseases. Last evaluated: 2020-02-24. Review status: criteria provided, single submitter. Criteria: Ambry Variant Classification Scheme 2023. Collection method: clinical testing. Allele origin: germline.

GeneDx
Classification: Likely benign. Last evaluated: 2019-01-21. Review status: criteria provided, single submitter. Criteria: GeneDx Variant Classification Process June 2021. Collection method: clinical testing. Allele origin: germline. Affected: yes.

Illumina Laboratory Services, Illumina
Classification: Likely benign for Charcot-Marie-Tooth disease type 4F. Last evaluated: 2018-01-13. Review status: criteria provided, single submitter. Criteria: ICSL Variant Classification Criteria 13 December 2019. Collection method: clinical testing. Allele origin: germline.
Comment: This variant was observed in the ICSL laboratory as part of a predisposition screen in an ostensibly healthy population. It had not been previously curated by ICSL or reported in the Human Gene Mutation Database (HGMD: prior to June 1st, 2018), and was therefore a candidate for classification through an automated scoring system. Utilizing variant allele frequency, disease prevalence and penetrance estimates, and inheritance mode, an automated score was calculated to assess if this variant is too frequent to cause the disease. Based on the score and internal cut-off values, a variant classified as likely benign is not then subjected to further curation. The score for this variant resulted in a classification of likely benign for this disease.